The following is an entry in ClinVar:

NM_000718.4(CACNA1B):c.3869T>C (p.Met1290Thr)

Gene: CACNA1B (calcium voltage-gated channel subunit alpha1 B; plus strand). Cytogenetic location: 9q34.3.
Variant type: single nucleotide variant.
Coding change: c.3869T>C on transcript NM_000718.4 (MANE Select); coding-DNA position 3869, T replaced by C.
Protein change: p.Met1290Thr; replaces methionine 1290 with threonine.
Molecular consequence: missense variant.
Genome position (GRCh38, 1-based): chr9:138,053,907, T>C. VCF-style: chr9-138053907-T-C. GRCh37 (hg19) VCF-style: chr9-140948359-T-C.
Other names: c.3869T>C, p.Met1290Thr (NM_001243812.2); short protein forms M1290T.
Identifiers: ClinVar variation 3631017 (VCV003631017.2).

ClinVar aggregate classification (germline): Uncertain significance (1 of 4 stars; one submission).

Submission:

Labcorp Genetics (formerly Invitae), Labcorp
Classification: Uncertain significance. Last evaluated: 2024-06-11. Review status: criteria provided, single submitter. Criteria: Invitae Variant Classification Sherloc (09022015). Collection method: clinical testing. Allele origin: germline.
Comment: This sequence change replaces methionine, which is neutral and non-polar, with threonine, which is neutral and polar, at codon 1290 of the CACNA1B protein (p.Met1290Thr). This variant is present in population databases (rs752927977, gnomAD 0.0009%). This variant has not been reported in the literature in individuals affected with CACNA1B-related conditions. Advanced modeling of protein sequence and biophysical properties (such as structural, functional, and spatial information, amino acid conservation, physicochemical variation, residue mobility, and thermodynamic stability) performed at Invitae indicates that this missense variant is not expected to disrupt CACNA1B protein function with a negative predictive value of 80%. In summary, the available evidence is currently insufficient to determine the role of this variant in disease. Therefore, it has been classified as a Variant of Uncertain Significance.